The following is an entry in ClinVar:

ClinVar aggregate classification (germline): Uncertain significance (1 of 4 stars; one submission).

Conditions:
Primary ciliary dyskinesia. Also called: Ciliary dyskinesia. Identifiers: Orphanet 244, MedGen C0008780, MONDO:0016575, HP:0012265.

gnomAD v4.1: 3 of 1,608,682 alleles (0.00019%); highest among the groups gnomAD compares: Non-Finnish European, 0.00025%; no homozygotes.

Submission:

Ambry Genetics
Classification: Uncertain significance for Primary ciliary dyskinesia. Last evaluated: 2025-06-09. Review status: criteria provided, single submitter. Criteria: Ambry Variant Classification Scheme 2023. Collection method: clinical testing. Allele origin: germline.
Comment: The p.T373S variant (also known as c.1117A>T) is located in coding exon 9 of the DNAAF3 gene. The threonine at codon 373 is replaced by serine, an amino acid with similar properties. This change occurs in the first base pair of coding exon 9. This amino acid position is conserved. In addition, this alteration is predicted to be tolerated by in silico analysis. Based on the available evidence, the clinical significance of this variant remains unclear.

NM_001256715.2(DNAAF3):c.913A>T (p.Thr305Ser)

Genes: DNAAF3 (dynein axonemal assembly factor 3; minus strand), DNAAF3-AS1 (DNAAF3 antisense RNA 1; plus strand). Cytogenetic location: 19q13.42.
Variant type: single nucleotide variant.
Coding change: c.913A>T on transcript NM_001256715.2 (MANE Select); coding-DNA position 913, A replaced by T.
Protein change: p.Thr305Ser; replaces threonine 305 with serine.
Molecular consequence: missense variant.
Genome position (GRCh38, 1-based): chr19:55,160,775, T>A on the plus strand (A>T on the coding strand, the complement: DNAAF3 is on the minus strand). VCF-style: chr19-55160775-T-A. GRCh37 (hg19) VCF-style: chr19-55672143-T-A.
Other names: c.1117A>T, p.Thr373Ser (NM_001256714.1); c.751A>T, p.Thr251Ser (NM_001256716.2); c.1054A>T, p.Thr352Ser (NM_178837.4); short protein forms T373S, T352S, T251S, T305S.
Identifiers: ClinVar variation 3840700 (VCV003840700.2).